The following is an entry in ClinVar:

NM_005677.4(COLQ):c.518T>C (p.Met173Thr)

Gene: COLQ (collagen like tail subunit of asymmetric acetylcholinesterase; minus strand). Cytogenetic location: 3p25.1.
Variant type: single nucleotide variant.
Coding change: c.518T>C on transcript NM_005677.4 (MANE Select); coding-DNA position 518, T replaced by C.
Protein change: p.Met173Thr; replaces methionine 173 with threonine.
Molecular consequence: missense variant.
Genome position (GRCh38, 1-based): chr3:15,475,435, A>G on the plus strand (T>C on the coding strand, the complement: COLQ is on the minus strand). VCF-style: chr3-15475435-A-G. GRCh37 (hg19) VCF-style: chr3-15516942-A-G.
Other names: c.488T>C, p.Met163Thr (NM_080538.2); c.416T>C, p.Met139Thr (NM_080539.4); short protein forms M173T, M139T, M163T.
Identifiers: ClinVar variation 1968788 (VCV001968788.5), dbSNP rs2470879819, ClinGen allele CA351598954.

ClinVar aggregate classification (germline): Uncertain significance (1 of 4 stars; one submission).

Conditions:
Congenital myasthenic syndrome 5. Identifiers: Orphanet 590, MedGen C1864233, MONDO:0011281, OMIM 603034.

Submission:

Labcorp Genetics (formerly Invitae), Labcorp
Classification: Uncertain significance for Congenital myasthenic syndrome 5. Last evaluated: 2022-08-07. Review status: criteria provided, single submitter. Criteria: Invitae Variant Classification Sherloc (09022015). Collection method: clinical testing. Allele origin: germline.
Comment: This sequence change replaces methionine, which is neutral and non-polar, with threonine, which is neutral and polar, at codon 173 of the COLQ protein (p.Met173Thr). In summary, the available evidence is currently insufficient to determine the role of this variant in disease. Therefore, it has been classified as a Variant of Uncertain Significance. Algorithms developed to predict the effect of missense changes on protein structure and function are either unavailable or do not agree on the potential impact of this missense change (SIFT: "Deleterious"; PolyPhen-2: "Not Available"; Align-GVGD: "Class C25"). This variant has not been reported in the literature in individuals affected with COLQ-related conditions. This variant is not present in population databases (gnomAD no frequency).